The following is an entry in ClinVar:

ClinVar aggregate classification (germline): Pathogenic (1 of 4 stars; one submission).

Conditions:
Fetal akinesia deformation sequence 1 (FADS1). Also called: Fetal akinesia sequence; Pena-Shokeir syndrome type I. Identifiers: Orphanet 994, MedGen C1276035, MONDO:0100101, OMIM 208150, HP:0001989.
Congenital myasthenic syndrome 11. Also called: MYASTHENIC SYNDROME, CONGENITAL, Ie; Myasthenic syndrome, congenital, 11, associated with acetylcholine receptor deficiency. Identifiers: Orphanet 590, MedGen C4225367, MONDO:0014588, OMIM 616326.

Submission:

Labcorp Genetics (formerly Invitae), Labcorp
Classification: Pathogenic for Congenital myasthenic syndrome 11; Fetal akinesia deformation sequence 1. Last evaluated: 2023-07-30. Review status: criteria provided, single submitter. Criteria: Invitae Variant Classification Sherloc (09022015). Collection method: clinical testing. Allele origin: germline.
Comment: For these reasons, this variant has been classified as Pathogenic. This variant has not been reported in the literature in individuals affected with RAPSN-related conditions. This variant is not present in population databases (gnomAD no frequency). This sequence change creates a premature translational stop signal (p.Tyr59*) in the RAPSN gene. It is expected to result in an absent or disrupted protein product. Loss-of-function variants in RAPSN are known to be pathogenic (PMID: 17686188).

Literature cited by the submitters: PubMed 17686188.

NM_005055.5(RAPSN):c.177C>A (p.Tyr59Ter)

Gene: RAPSN (receptor associated protein of the synapse; minus strand). Cytogenetic location: 11p11.2.
Variant type: single nucleotide variant.
Coding change: c.177C>A on transcript NM_005055.5 (MANE Select); coding-DNA position 177, C replaced by A.
Protein change: p.Tyr59Ter; replaces tyrosine 59 with a stop codon.
Molecular consequence: nonsense.
Genome position (GRCh38, 1-based): chr11:47,448,788, G>T on the plus strand (C>A on the coding strand, the complement: RAPSN is on the minus strand). VCF-style: chr11-47448788-G-T. GRCh37 (hg19) VCF-style: chr11-47470340-G-T.
Other names: c.177C>A, p.Tyr59Ter (NM_032645.5); short protein forms Y59*.
Identifiers: ClinVar variation 2950484 (VCV002950484.3), dbSNP rs2076431110, ClinGen allele CA380335746.
Genomic context (GRCh38, chr11:47,448,788, plus strand): 5'-GGCCCCAGCCTGACCCTCGAACGCCCCCAGGCCGGGTACACCCACCTTCAGCATCTCCTT[G>T]TAGCGGCCCATCTCCGAGTGGGCTGTGACCAGGCAGCCCAGCACGCGGAAGCGCCCCATG-3'